The following is an entry in ClinVar:

NM_000020.3(ACVRL1):c.269G>A (p.Cys90Tyr)

Gene: ACVRL1 (activin A receptor like type 1; plus strand). Cytogenetic location: 12q13.13.
Variant type: single nucleotide variant.
Coding change: c.269G>A on transcript NM_000020.3 (MANE Select); coding-DNA position 269, G replaced by A.
Protein change: p.Cys90Tyr; replaces cysteine 90 with tyrosine.
Molecular consequence: missense variant.
Genome position (GRCh38, 1-based): chr12:51,913,306, G>A. VCF-style: chr12-51913306-G-A. GRCh37 (hg19) VCF-style: chr12-52307090-G-A.
Other names: p.C90Y:TGC>TAC; c.269G>A, p.Cys90Tyr (NM_001077401.2); short protein forms C90Y.
Identifiers: ClinVar variation 212798 (VCV000212798.5), dbSNP rs863223410, ClinGen allele CA320646.

ClinVar aggregate classification (germline): Pathogenic/Likely pathogenic. Review status: criteria provided, multiple submitters, no conflicts (2 of 4 stars). 3 submissions from 3 submitters: Pathogenic (2); Likely pathogenic (1). Last evaluated 2020-08-14.

Conditions:
Telangiectasia, hereditary hemorrhagic, type 2 (HHT2). Also called: Telangiectasia, hereditary hemorrhagic, type II; ACVRL1-Related Hereditary Hemorrhagic Telangiectasia. Identifiers: Orphanet 774, MedGen C1838163, MONDO:0010880, OMIM 600376. Disease mechanism: loss of function.
Cardiovascular phenotype. Identifiers: MedGen CN230736.

Submissions (3):

Ambry Genetics
Classification: Pathogenic for Cardiovascular phenotype. Last evaluated: 2020-08-14. Review status: criteria provided, single submitter. Criteria: Ambry Variant Classification Scheme 2023. Collection method: clinical testing. Allele origin: germline.
Comment: The p.C90Y pathogenic mutation (also known as c.269G>A), located in coding exon 2 of the ACVRL1 gene, results from a G to A substitution at nucleotide position 269. The cysteine at codon 90 is replaced by tyrosine, an amino acid with highly dissimilar properties. This mutation was identified in two individuals with a clinical diagnosis of hereditary hemorrhagic telangiectasia (Lesca G et al. Hum. Mutat., 2006 Jun;27:598; Gedge F et al. J Mol Diagn, 2007 Apr;9:258-65). Based on internal structural analysis, p.C90Y results in loss of a clinically relevant disulfide motif (Townson SA et al. J. Biol. Chem., 2012 Aug;287:27313-25). Two other alterations at the same codon, p.C90W (c.270C>G) and p.C90F (c.269G>T), have been described in individuals with suspected or confirmed HHT (Komiyama M et al. J. Hum. Genet., 2014 Jan;59:37-41; Goulielmos GN et al. IJNTR, 2016 Feb;2(1):32-6). This variant was not reported in population-based cohorts in the Genome Aggregation Database (gnomAD). This amino acid position is highly conserved in available vertebrate species. In addition, this alteration is predicted to be deleterious by in silico analysis. Based on the supporting evidence, this alteration is interpreted as a disease-causing mutation.

NIHR Bioresource Rare Diseases, University of Cambridge
Classification: Likely pathogenic for Telangiectasia, hereditary hemorrhagic, type 2. Last evaluated: 2018-01-01. Review status: criteria provided, single submitter. Criteria: ACMG Guidelines, 2015. Collection method: research. Allele origin: unknown. Affected: yes. Observed: 1 variant allele.
Comment: PM2+PP2+PP4

GeneDx
Classification: Pathogenic. Last evaluated: 2015-03-11. Review status: criteria provided, single submitter. Criteria: GeneDx Variant Classification (06012015). Collection method: clinical testing. Allele origin: germline. Affected: yes.
Comment: p.Cys90Tyr (C90Y) TGC>TAC: c.269 G>A in exon 3 of the ACVRL1 gene (NM_000020.2). The C90Y mutation in the ACVRL1 gene has been reported previously in association with HHT and was absent from at least 144 control individuals (Lesca et al., 2006; Gedge et al., 2007). Similarly, the C90Y mutation was not observed in approximately 6,400 individuals of European and African American ancestry in the NHLBI Exome Sequencing Project, indicating it is not a common benign variant in these populations. The C90Y variant is a non-conservative amino acid substitution, which is likely to impact secondary protein structure as these residues differ in polarity, charge, size and/or other properties. This substitution occurs at a position that is conserved across species. Furthermore, the C90 residue participates in disulfide bonding and is thought to be important to the protein structure/function (Scotti et al., 2011). Another mutation in the same residue (C90W), as well as mutations in nearby residues (C89Y, C95R, N96D) have been reported in association with HHT, further supporting the functional importance of this residue and of thisregion of the protein. In summary, C90Y in the ACVRL1 gene is interpreted as a disease-causing mutation. This variant was found in HHT-ARRHYTHMIA panel(s).

Literature cited by the submitters: PubMed 16705692 (cited by Ambry Genetics); PubMed 17384219 (cited by Ambry Genetics); PubMed 22718755 (cited by Ambry Genetics); PubMed 32573726 (cited by NIHR Bioresource Rare Diseases, University of Cambridge).